The following is an entry in ClinVar:

ClinVar aggregate classification (germline): Uncertain significance (1 of 4 stars; one submission).

Conditions:
Febrile seizures, familial, 8 (FEB8). Also called: CONVULSIONS, FAMILIAL FEBRILE, 8. Identifiers: Orphanet 36387, MedGen C1969810, MONDO:0011891, OMIM 607681.
EPILEPSY, CHILDHOOD ABSENCE, SUSCEPTIBILITY TO, 2 (ECA2). Identifiers: Orphanet 64280, MedGen C1843244, OMIM 607681.

Submission:

Labcorp Genetics (formerly Invitae), Labcorp
Classification: Uncertain significance for Febrile seizures, familial, 8; EPILEPSY, CHILDHOOD ABSENCE, SUSCEPTIBILITY TO, 2. Last evaluated: 2025-10-21. Review status: criteria provided, single submitter. Criteria: Invitae Variant Classification Sherloc (09022015). Collection method: clinical testing. Allele origin: germline.
Comment: This sequence change replaces threonine, which is neutral and polar, with alanine, which is neutral and non-polar, at codon 255 of the GABRG2 protein (p.Thr255Ala). This variant is not present in population databases (gnomAD no frequency). This variant has not been reported in the literature in individuals affected with GABRG2-related conditions. Invitae Evidence Modeling of protein sequence and biophysical properties (such as structural, functional, and spatial information, amino acid conservation, physicochemical variation, residue mobility, and thermodynamic stability) indicates that this missense variant is not expected to disrupt GABRG2 protein function with a negative predictive value of 95%. In summary, the available evidence is currently insufficient to determine the role of this variant in disease. Therefore, it has been classified as a Variant of Uncertain Significance.

NM_198904.4(GABRG2):c.763A>G (p.Thr255Ala)

Gene: GABRG2 (gamma-aminobutyric acid type A receptor subunit gamma2; plus strand). Cytogenetic location: 5q34.
Variant type: single nucleotide variant.
Coding change: c.763A>G on transcript NM_198904.4 (MANE Select); coding-DNA position 763, A replaced by G.
Protein change: p.Thr255Ala; replaces threonine 255 with alanine.
Molecular consequence: missense variant.
Genome position (GRCh38, 1-based): chr5:162,104,020, A>G. VCF-style: chr5-162104020-A-G. GRCh37 (hg19) VCF-style: chr5-161531026-A-G.
Other names: c.763A>G, p.Thr255Ala (NM_000816.3, NM_001375340.1, NM_001375341.1 and 2 more transcripts); c.754A>G, p.Thr252Ala (NM_001375339.1); c.883A>G, p.Thr295Ala (NM_001375343.1, NM_198903.2); c.697A>G, p.Thr233Ala (NM_001375345.1, NM_001375346.1); c.676A>G, p.Thr226Ala (NM_001375347.1); c.343A>G, p.Thr115Ala (NM_001375348.1, NM_001375350.1); c.478A>G, p.Thr160Ala (NM_001375349.1); short protein forms T160A, T295A, T115A, T233A, T252A, T226A, T255A.
Identifiers: ClinVar variation 4789502 (VCV004789502.1).